The following is an entry in ClinVar:

NM_058246.4(DNAJB6):c.494G>A (p.Gly165Glu)

Gene: DNAJB6 (DnaJ heat shock protein family (Hsp40) member B6; plus strand). Cytogenetic location: 7q36.3.
Variant type: single nucleotide variant.
Coding change: c.494G>A on transcript NM_058246.4 (MANE Select); coding-DNA position 494, G replaced by A.
Protein change: p.Gly165Glu; replaces glycine 165 with glutamic acid.
Molecular consequence: missense variant. On other transcripts: intron variant (1).
Genome position (GRCh38, 1-based): chr7:157,384,882, G>A. VCF-style: chr7-157384882-G-A. GRCh37 (hg19) VCF-style: chr7-157177576-G-A.
Other names: p.Gly165Glu; c.494G>A, p.Gly165Glu (NM_005494.3); c.346+17399G>A (NM_001363676.1); short protein forms G165E.
Identifiers: ClinVar variation 1693965 (VCV001693965.6), dbSNP rs1186006631, ClinGen allele CA370166618.

ClinVar aggregate classification (germline): Uncertain significance. Review status: criteria provided, multiple submitters, no conflicts (2 of 4 stars). 2 submissions from 2 submitters: Uncertain significance (2). Last evaluated 2025-03-23.

Conditions:
Autosomal dominant limb-girdle muscular dystrophy type 1D (DNAJB6) (LGMDD1). Also called: MUSCULAR DYSTROPHY, LIMB-GIRDLE, TYPE 1D; MUSCULAR DYSTROPHY, AUTOSOMAL DOMINANT, WITH RIMMED VACUOLES; Autosomal dominant limb-girdle muscular dystrophy type 1D; Muscular dystrophy, limb-girdle, autosomal dominant 1. Identifiers: Orphanet 34516, MedGen C4721885, MONDO:0021018, OMIM 603511.

Allele frequency attached by ClinVar (database versions not stated): gnomAD exomes below 0.00001.
gnomAD v4.1: 3 of 1,611,878 alleles (0.00019%); highest among the groups gnomAD compares: South Asian, 0.0011%; no homozygotes.

Submissions (2):

Labcorp Genetics (formerly Invitae), Labcorp
Classification: Uncertain significance for Autosomal dominant limb-girdle muscular dystrophy type 1D (DNAJB6). Last evaluated: 2025-03-23. Review status: criteria provided, single submitter. Criteria: Invitae Variant Classification Sherloc (09022015). Collection method: clinical testing. Allele origin: germline.
Comment: This sequence change replaces glycine, which is neutral and non-polar, with glutamic acid, which is acidic and polar, at codon 165 of the DNAJB6 protein (p.Gly165Glu). This variant is present in population databases (no rsID available, gnomAD 0.003%). This variant has not been reported in the literature in individuals affected with DNAJB6-related conditions. ClinVar contains an entry for this variant (Variation ID: 1693965). Invitae Evidence Modeling of protein sequence and biophysical properties (such as structural, functional, and spatial information, amino acid conservation, physicochemical variation, residue mobility, and thermodynamic stability) indicates that this missense variant is not expected to disrupt DNAJB6 protein function with a negative predictive value of 80%. In summary, the available evidence is currently insufficient to determine the role of this variant in disease. Therefore, it has been classified as a Variant of Uncertain Significance.

Mayo Clinic Laboratories, Mayo Clinic
Classification: Uncertain significance. Last evaluated: 2021-06-02. Review status: criteria provided, single submitter. Criteria: ACMG Guidelines, 2015. Collection method: clinical testing. Allele origin: germline. Observed: 1 variant allele.